The following is an entry in ClinVar:

NM_001242896.3(DEPDC5):c.4786G>A (p.Glu1596Lys)

Gene: DEPDC5 (DEP domain containing 5, GATOR1 subcomplex subunit; plus strand). Cytogenetic location: 22q12.3.
Variant type: single nucleotide variant.
Coding change: c.4786G>A on transcript NM_001242896.3 (MANE Select); coding-DNA position 4786, G replaced by A.
Protein change: p.Glu1596Lys; replaces glutamic acid 1596 with lysine.
Molecular consequence: missense variant. On other transcripts: non-coding transcript variant (5).
Genome position (GRCh38, 1-based): chr22:31,906,471, G>A. VCF-style: chr22-31906471-G-A. GRCh37 (hg19) VCF-style: chr22-32302457-G-A.
Other names: c.4759G>A, p.Glu1587Lys (NM_001136029.4); c.4486G>A, p.Glu1496Lys (NM_001242897.2); c.4720G>A, p.Glu1574Lys (NM_001363852.2, NM_001364320.2); c.4552G>A, p.Glu1518Lys (NM_001363854.2, NM_001364319.2); c.4786G>A, p.Glu1596Lys (NM_001364318.2); c.4702G>A, p.Glu1568Lys (NM_001369901.1, NM_001369902.1); c.4693G>A, p.Glu1565Lys (NM_001369903.1, NM_014662.6); short protein forms E1496K, E1518K, E1565K, E1568K, E1574K, E1587K, E1596K.
Identifiers: ClinVar variation 4070682 (VCV004070682.1).

ClinVar aggregate classification (germline): Uncertain significance (1 of 4 stars; one submission).

gnomAD v4.1: 2 of 1,613,276 alleles (0.00012%); highest among the groups gnomAD compares: Non-Finnish European, 0.000085%; no homozygotes.

Submission:

GeneDx
Classification: Uncertain significance. Last evaluated: 2025-01-14. Review status: criteria provided, single submitter. Criteria: GeneDx Variant Classification Process June 2021. Collection method: clinical testing. Allele origin: germline. Affected: yes.
Comment: Not observed at significant frequency in large population cohorts (gnomAD); In silico analysis indicates that this missense variant does not alter protein structure/function; Has not been previously published as pathogenic or benign to our knowledge